The following is an entry in ClinVar:

NM_170662.5(CBLB):c.825A>G (p.Lys275=)

Gene: CBLB (Cbl proto-oncogene B; minus strand). Cytogenetic location: 3q13.11.
Variant type: single nucleotide variant.
Coding change: c.825A>G on transcript NM_170662.5 (MANE Select); coding-DNA position 825, A replaced by G.
Protein change: p.Lys275=; no amino-acid change (lysine 275 retained).
Molecular consequence: synonymous variant. On other transcripts: 5 prime UTR variant (2), non-coding transcript variant (7).
Genome position (GRCh38, 1-based): chr3:105,745,937, T>C on the plus strand (A>G on the coding strand, the complement: CBLB is on the minus strand). VCF-style: chr3-105745937-T-C. GRCh37 (hg19) VCF-style: chr3-105464781-T-C.
Other names: c.909A>G, p.Lys303= (NM_001321786.1, NM_001321789.1); c.825A>G, p.Lys275= (NM_001321788.2, NM_001321791.2, NM_001321793.2 and 4 more transcripts); c.891A>G, p.Lys297= (NM_001321790.2); c.678A>G, p.Lys226= (NM_001321796.2, NM_001321799.2); c.45A>G, p.Lys15= (NM_001321806.2, NM_001321807.2, NM_001321808.2 and 3 more transcripts); c.-528A>G (NM_001321820.2); c.-555A>G (NM_001321822.2).
Identifiers: ClinVar variation 3037193 (VCV003037193.2), dbSNP rs116564819, ClinGen allele CA2524926.

ClinVar aggregate classification (germline): Benign (0 of 4 stars; one submission).

Conditions:
CBLB-related disorder. Also called: CBLB-related condition.

Allele frequency attached by ClinVar (database versions not stated): gnomAD exomes 0.00020; ExAC 0.00071; gnomAD 0.00202; 1000 Genomes Project 30x 0.00219; 1000 Genomes Project 0.00220; TOPMed 0.00226; ESP Exome Variant Server 0.00315.
gnomAD v4.1: 602 of 1,612,224 alleles (0.037%); highest among the groups gnomAD compares: African/African-American, 0.72%; 2 homozygotes.

Submission:

PreventionGenetics, part of Exact Sciences
Classification: Benign for CBLB-related condition. Last evaluated: 2019-10-28. Review status: no assertion criteria provided. Collection method: clinical testing. Allele origin: germline.
Comment: This variant is classified as benign based on ACMG/AMP sequence variant interpretation guidelines (Richards et al. 2015 PMID: 25741868, with internal and published modifications).